The following is an entry in ClinVar:

ClinVar aggregate classification (germline): Uncertain significance (1 of 4 stars; one submission).

Conditions:
Cornelia de Lange syndrome 3 (CDLS3). Also called: SMC3-Related Cornelia de Lange Syndrome; CORNELIA DE LANGE SYNDROME 3 WITH OR WITHOUT MIDLINE BRAIN DEFECTS. Identifiers: Orphanet 199, MedGen C1853099, MONDO:0012555, OMIM 610759.

Allele frequency attached by ClinVar (database versions not stated): TOPMed below 0.00001.

Submission:

Labcorp Genetics (formerly Invitae), Labcorp
Classification: Uncertain significance for Cornelia de Lange syndrome 3. Last evaluated: 2022-07-09. Review status: criteria provided, single submitter. Criteria: Invitae Variant Classification Sherloc (09022015). Collection method: clinical testing. Allele origin: germline.
Comment: This sequence change replaces aspartic acid, which is acidic and polar, with glutamic acid, which is acidic and polar, at codon 913 of the SMC3 protein (p.Asp913Glu). This variant is not present in population databases (gnomAD no frequency). This variant has not been reported in the literature in individuals affected with SMC3-related conditions. Algorithms developed to predict the effect of missense changes on protein structure and function (SIFT, PolyPhen-2, Align-GVGD) all suggest that this variant is likely to be tolerated. In summary, the available evidence is currently insufficient to determine the role of this variant in disease. Therefore, it has been classified as a Variant of Uncertain Significance.

NM_005445.4(SMC3):c.2739T>G (p.Asp913Glu)

Gene: SMC3 (structural maintenance of chromosomes 3; plus strand). Cytogenetic location: 10q25.2.
Variant type: single nucleotide variant.
Coding change: c.2739T>G on transcript NM_005445.4 (MANE Select); coding-DNA position 2739, T replaced by G.
Protein change: p.Asp913Glu; replaces aspartic acid 913 with glutamic acid.
Molecular consequence: missense variant.
Genome position (GRCh38, 1-based): chr10:110,601,731, T>G. VCF-style: chr10-110601731-T-G. GRCh37 (hg19) VCF-style: chr10-112361489-T-G.
Other names: short protein forms D913E.
Identifiers: ClinVar variation 1951193 (VCV001951193.5), dbSNP rs1199451717, ClinGen allele CA378393587.